The following is an entry in ClinVar:

NM_004310.5(RHOH):c.114C>G (p.Tyr38Ter)

Gene: RHOH (ras homolog family member H; plus strand). Cytogenetic location: 4p14.
Variant type: single nucleotide variant.
Coding change: c.114C>G on transcript NM_004310.5 (MANE Select); coding-DNA position 114, C replaced by G.
Protein change: p.Tyr38Ter; replaces tyrosine 38 with a stop codon.
Molecular consequence: nonsense.
Genome position (GRCh38, 1-based): chr4:40,243,500, C>G. VCF-style: chr4-40243500-C-G. GRCh37 (hg19) VCF-style: chr4-40245120-C-G.
Other names: c.114C>G, p.Tyr38Ter (NM_001278359.2, NM_001278360.2, NM_001278361.2 and 8 more transcripts); short protein forms Y38*.
Identifiers: ClinVar variation 617610 (VCV000617610.3), dbSNP rs773779601, ClinGen allele CA356781889.

ClinVar aggregate classification (germline): no classifications from unflagged records (0 of 4 stars; one submission).

Conditions:
Epidermodysplasia verruciformis, susceptibility to, 4. Identifiers: MedGen C4749042, MONDO:0032666, OMIM 618307.

Submission:

OMIM
Classification: Pathogenic for IMMUNODEFICIENCY 129. Last evaluated: 2024-12-06. Review status: flagged submission. Collection method: literature only. Allele origin: germline.
ClinVar note: Notes: Flagging candidate with reason of insufficient supporting evidence. This gene has been classified as having a limited gene-disease relationship by a ClinGen Expert Panel.
ClinVar note: Reason: P/LP classification for a variant in a gene with insufficient evidence for a gene-disease relationship

Literature cited by the submitters: PubMed 22850876.